The following is an entry in ClinVar:

ClinVar aggregate classification (germline): Uncertain significance (1 of 4 stars; one submission).

Conditions:
EGFR-related lung cancer (EGFR). Identifiers: MedGen CN130014.

Submission:

Labcorp Genetics (formerly Invitae), Labcorp
Classification: Uncertain significance for EGFR-related lung cancer. Last evaluated: 2023-12-12. Review status: criteria provided, single submitter. Criteria: Invitae Variant Classification Sherloc (09022015). Collection method: clinical testing. Allele origin: germline.
Comment: This sequence change replaces proline, which is neutral and non-polar, with serine, which is neutral and polar, at codon 794 of the EGFR protein (p.Pro794Ser). This variant is not present in population databases (gnomAD no frequency). This variant has not been reported in the literature in individuals affected with EGFR-related conditions. ClinVar contains an entry for this variant (Variation ID: 1448800). Advanced modeling of protein sequence and biophysical properties (such as structural, functional, and spatial information, amino acid conservation, physicochemical variation, residue mobility, and thermodynamic stability) performed at Invitae indicates that this missense variant is not expected to disrupt EGFR protein function with a negative predictive value of 80%. In summary, the available evidence is currently insufficient to determine the role of this variant in disease. Therefore, it has been classified as a Variant of Uncertain Significance.

NM_005228.5(EGFR):c.2380C>T (p.Pro794Ser)

Genes: EGFR-AS1 (EGFR antisense RNA 1; minus strand), EGFR (epidermal growth factor receptor; plus strand). Cytogenetic location: 7p11.2.
Variant type: single nucleotide variant.
Coding change: c.2380C>T on transcript NM_005228.5 (MANE Select); coding-DNA position 2380, C replaced by T.
Protein change: p.Pro794Ser; replaces proline 794 with serine.
Molecular consequence: missense variant. On other transcripts: non-coding transcript variant (1).
Genome position (GRCh38, 1-based): chr7:55,181,389, C>T. VCF-style: chr7-55181389-C-T. GRCh37 (hg19) VCF-style: chr7-55249082-C-T.
Other names: c.2245C>T, p.Pro749Ser (NM_001346897.2, NM_001346899.2); c.2380C>T, p.Pro794Ser (NM_001346898.2); c.2221C>T, p.Pro741Ser (NM_001346900.2); c.1579C>T, p.Pro527Ser (NM_001346941.2); short protein forms P749S, P741S, P794S, P527S.
Identifiers: ClinVar variation 1448800 (VCV001448800.8), dbSNP rs370289230, ClinGen allele CA367578878.